The following is an entry in ClinVar:

ClinVar aggregate classification (germline): Uncertain significance (1 of 4 stars; one submission).

Conditions:
Cardiovascular phenotype. Identifiers: MedGen CN230736.

Submission:

Ambry Genetics
Classification: Uncertain significance for Cardiovascular phenotype. Last evaluated: 2026-09-11. Review status: criteria provided, single submitter. Criteria: Ambry Variant Classification Scheme 2023. Collection method: clinical testing. Allele origin: germline.
Comment: The p.L246V variant (also known as c.736C>G), located in coding exon 5 of the PRKAG2 gene, results from a C to G substitution at nucleotide position 736. The leucine at codon 246 is replaced by valine, an amino acid with highly similar properties. This amino acid position is conserved. In addition, this alteration is predicted to be tolerated by in silico analysis. Based on the available evidence, the clinical significance of this variant remains unclear.

NM_016203.4(PRKAG2):c.736C>G (p.Leu246Val)

Genes: PRKAG2 (protein kinase AMP-activated non-catalytic subunit gamma 2; minus strand), LOC129999660 (ATAC-STARR-seq lymphoblastoid silent region 18823; plus strand). Cytogenetic location: 7q36.1.
Variant type: single nucleotide variant.
Coding change: c.736C>G on transcript NM_016203.4 (MANE Select); coding-DNA position 736, C replaced by G.
Protein change: p.Leu246Val; replaces leucine 246 with valine.
Molecular consequence: missense variant. On other transcripts: intron variant (3).
Genome position (GRCh38, 1-based): chr7:151,632,087, G>C on the plus strand (C>G on the coding strand, the complement: PRKAG2 is on the minus strand). VCF-style: chr7-151632087-G-C. GRCh37 (hg19) VCF-style: chr7-151329173-G-C.
Other names: c.604C>G, p.Leu202Val (NM_001407027.1, NM_001040633.2, NM_001407024.1 and 1 more transcripts); c.364C>G, p.Leu122Val (NM_001407028.1, NM_001407029.1, NM_001304527.2 and 1 more transcripts); c.418C>G, p.Leu140Val (NM_001407032.1); c.412C>G, p.Leu138Val (NM_001407033.1); c.13C>G, p.Leu5Val (NM_001407034.1, NM_001407035.1, NM_001407036.1 and 4 more transcripts); c.64C>G, p.Leu22Val (NM_001407038.1); c.736C>G, p.Leu246Val (NM_001407021.1, NM_001407022.1, NM_001407023.1); c.467-36636C>G (NM_001407031.1); and 2 more; short protein forms L122V, L246V, L5V, L140V, L202V, L138V, L22V.
Identifiers: ClinVar variation 3938074 (VCV003938074.2).